The following is an entry in ClinVar:

ClinVar aggregate classification (germline): Uncertain significance (1 of 4 stars; one submission).

Conditions:
Hereditary spastic paraplegia 56. Also called: SPASTIC PARAPLEGIA 56, AUTOSOMAL RECESSIVE, WITH OR WITHOUT PSEUDOXANTHOMA ELASTICUM; Spastic Paraplegia 56; Spastic paraplegia 56, autosomal recessive. Identifiers: Orphanet 320411, MedGen C3539507, MONDO:0014015, OMIM 615030.

Submission:

Juno Genomics, Hangzhou Juno Genomics, Inc
Classification: Uncertain significance for Hereditary spastic paraplegia 56. Review status: criteria provided, single submitter. Criteria: ACMG Guidelines, 2015. Collection method: clinical testing. Allele origin: germline.
Comment: Absent from controls (or at extremely low frequency if recessive) in Genome Aggregation Database.

NM_183075.3(CYP2U1):c.391A>C (p.Ser131Arg)

Genes: CYP2U1 (cytochrome P450 family 2 subfamily U member 1; plus strand), CYP2U1-AS1 (CYP2U1 and SGMS2 antisense RNA 1; minus strand). Cytogenetic location: 4q25.
Variant type: single nucleotide variant.
Coding change: c.391A>C on transcript NM_183075.3 (MANE Select); coding-DNA position 391, A replaced by C.
Protein change: p.Ser131Arg; replaces serine 131 with arginine.
Molecular consequence: missense variant. On other transcripts: non-coding transcript variant (1).
Genome position (GRCh38, 1-based): chr4:107,932,034, A>C. VCF-style: chr4-107932034-A-C. GRCh37 (hg19) VCF-style: chr4-108853190-A-C.
Other names: short protein forms S131R.
Identifiers: ClinVar variation 5018975 (VCV005018975.2).